The following is an entry in ClinVar:

NC_000001.10:g.(?_45290013)_(45292899_?)del

Gene: PTCH2 (patched 2; minus strand). Cytogenetic location: 1p34.1.
Variant type: Deletion.
Identifiers: ClinVar variation 2424753 (VCV002424753.7).

ClinVar aggregate classification (germline): Uncertain significance (1 of 4 stars; one submission).

Conditions:
Gorlin syndrome. Also called: Nevoid Basal Cell Carcinoma Syndrome; Basal cell nevus syndrome. Identifiers: Orphanet 377, MedGen C0004779, MONDO:0007187.

Submission:

Labcorp Genetics (formerly Invitae), Labcorp
Classification: Uncertain significance for Gorlin syndrome. Last evaluated: 2021-12-17. Review status: criteria provided, single submitter. Criteria: Invitae Variant Classification Sherloc (09022015). Collection method: clinical testing. Allele origin: germline.
Comment: In summary, the available evidence is currently insufficient to determine the role of this variant in disease. Therefore, it has been classified as a Variant of Uncertain Significance. Experimental studies and prediction algorithms are not available or were not evaluated, and the functional significance of this variant is currently unknown. This variant has not been reported in the literature in individuals affected with PTCH2-related conditions. This variant results in the deletion of part of exon 16 and exons 17-19 (c.2454_3115-956del) of the PTCH2 gene. It is expected to disrupt RNA splicing. Variants that disrupt the donor or acceptor splice site typically lead to a loss of protein function (PMID: 16199547), however the current clinical and genetic evidence is not sufficient to establish whether loss-of-function variants in PTCH2 cause disease.

Literature cited by the submitters: PubMed 16199547.